The following is an entry in ClinVar:

NM_001129.5(AEBP1):c.3235GAG[1] (p.Glu1080del)

Gene: AEBP1 (AE binding protein 1; plus strand). Cytogenetic location: 7p13.
Variant type: Microsatellite.
Coding change: c.3235GAG[1] on transcript NM_001129.5 (MANE Select); one copy of the 3-base unit GAG starting at c.3235; the reference has two copies in a row; one copy, 3 bases deleted.
Protein change: p.Glu1080del; deletes glutamic acid 1080.
Genome position (GRCh38, 1-based): chr7:44,114,022-44,114,024, GAG deleted; deleting any 3 consecutive bases within chr7:44,114,018-44,114,024 gives the same sequence; the position shown is the placement nearest the transcript's 3' end. VCF-style (leftmost placement, unchanged base first): chr7-44114017-GGGA-G. GRCh37 (hg19) VCF-style: chr7-44153616-GGGA-G.
Other names: c.3238_3240delGAG (NM_001129.5); short protein forms E1080del.
Identifiers: ClinVar variation 4847927 (VCV004847927.1).
Genomic context (GRCh38, chr7:44,114,017, plus strand): 5'-CCACCACCCTGAGCACTACCATAGAGCCCTGGGGCCTCATACCGCCAACCACCGCTGGCT[GGGA>G]GGAGTCGGAGACTGAGACCTACACAGAGGTGGTGACAGAGTTTGGGACCGAGGTGGAGCC-3'

ClinVar aggregate classification (germline): Uncertain significance (1 of 4 stars; one submission).

Submission:

Women's Health and Genetics/Laboratory Corporation of America, LabCorp
Classification: Uncertain significance. Last evaluated: 2026-02-10. Review status: criteria provided, single submitter. Criteria: LabCorp Variant Classification Summary - May 2015. Collection method: clinical testing. Allele origin: germline.
Comment: Variant summary: AEBP1 c.3238_3240delGAG (p.Glu1080del) results in an in-frame deletion that is predicted to remove one amino acid from the encoded protein. The variant was absent in 250952 control chromosomes. The available data on variant occurrences in the general population are insufficient to allow any conclusion about variant significance. To our knowledge, no occurrence of c.3238_3240delGAG in individuals affected with AEBP1-related conditions and no experimental evidence demonstrating its impact on protein function have been reported. No submitters have cited clinical-significance assessments for this variant to ClinVar. Based on the evidence outlined above, the variant was classified as uncertain significance.